The following is an entry in ClinVar:

ClinVar aggregate classification (germline): Benign (1 of 4 stars; one submission).

Conditions:
Loeys-Dietz syndrome 4 (LDS4). Also called: ANEURYSM, AORTIC AND CEREBRAL, WITH ARTERIAL TORTUOSITY AND SKELETAL MANIFESTATIONS; TGFB2-Related Loeys-Dietz Syndrome. Identifiers: MedGen C3553762, MONDO:0013897, OMIM 614816.

Allele frequency attached by ClinVar (database versions not stated): gnomAD 0.00049 and 0.00078; gnomAD exomes 0.00057; TOPMed 0.00085; 1000 Genomes Project 30x 0.00484; 1000 Genomes Project 0.00559.
gnomAD v4.1: 566 of 890,620 alleles (0.064%); highest among the groups gnomAD compares: East Asian, 1.3%; 8 homozygotes.

Submission:

Illumina Laboratory Services, Illumina
Classification: Benign for Loeys-Dietz syndrome 4. Last evaluated: 2018-01-13. Review status: criteria provided, single submitter. Criteria: ICSL Variant Classification Criteria 13 December 2019. Collection method: clinical testing. Allele origin: germline.
Comment: This variant was observed in the ICSL laboratory as part of a predisposition screen in an ostensibly healthy population. It had not been previously curated by ICSL or reported in the Human Gene Mutation Database (HGMD: prior to June 1st, 2018), and was therefore a candidate for classification through an automated scoring system. Utilizing variant allele frequency, disease prevalence and penetrance estimates, and inheritance mode, an automated score was calculated to assess if this variant is too frequent to cause the disease. Based on the score and internal cut-off values, a variant classified as benign is not then subjected to further curation. The score for this variant resulted in a classification of benign for this disease.

NM_003238.6(TGFB2):c.*135G>A

Gene: TGFB2 (transforming growth factor beta 2; plus strand). Cytogenetic location: 1q41.
Variant type: single nucleotide variant.
Coding change: c.*135G>A on transcript NM_003238.6 (MANE Select); 135 bases downstream of the stop codon, G replaced by A.
Molecular consequence: 3 prime UTR variant. On other transcripts: non-coding transcript variant (2).
Genome position (GRCh38, 1-based): chr1:218,441,497, G>A. VCF-style: chr1-218441497-G-A. GRCh37 (hg19) VCF-style: chr1-218614839-G-A.
Other names: c.*135G>A (NM_001135599.4).
Identifiers: ClinVar variation 295497 (VCV000295497.5), dbSNP rs61762489, ClinGen allele CA10609936.
Genomic context (GRCh38, chr1:218,441,497, plus strand): 5'-TGTAACAAGAAAACATAAGAGAGCCTTGGTTCATCAGTGTTAAAAAATTTTTGAAAAGGC[G>A]GTACTAGTTCAGACACTTTGGAAGTTTGTGTTCTGTTTGTTAAAACTGGCATCTGACACA-3'